The following is an entry in ClinVar:

ClinVar aggregate classification (germline): Benign/Likely benign. Review status: criteria provided, multiple submitters, no conflicts (2 of 4 stars). 9 submissions from 9 submitters: Benign (5); Likely benign (1). 3 of the submissions do not count toward it. Last evaluated 2026-02-04.

Conditions:
Autoimmune lymphoproliferative syndrome type 2A (ALPS2A). Also called: Autoimmune lymphoproliferative syndrome type 2; CASP10-Related Autoimmune Lymphoproliferative Syndrome; AUTOIMMUNE LYMPHOPROLIFERATIVE SYNDROME, TYPE IIA. Identifiers: Orphanet 3261, MedGen C1858968, MONDO:0011383, OMIM 603909.

Allele frequency attached by ClinVar (database versions not stated): 1000 Genomes Project 30x 0.01874; 1000 Genomes Project 0.01917; TOPMed 0.04002; gnomAD 0.04193 and 0.04350; gnomAD exomes 0.04194 and 0.05857; ExAC 0.04255; ESP Exome Variant Server 0.04898.
gnomAD v4.1: 91,566 of 1,614,048 alleles (5.7%); highest among the groups gnomAD compares: Non-Finnish European, 6.8%; 3,002 homozygotes.

Submissions (9):

Labcorp Genetics (formerly Invitae), Labcorp
Classification: Benign for Autoimmune lymphoproliferative syndrome type 2A. Last evaluated: 2026-02-04. Review status: criteria provided, single submitter. Criteria: Invitae Variant Classification Sherloc (09022015). Collection method: clinical testing. Allele origin: germline.

Blueprint Genetics
Classification: Likely benign. Last evaluated: 2024-11-26. Review status: criteria provided, single submitter. Criteria: ACMG Guidelines, 2015. Collection method: clinical testing. Allele origin: germline.

Mayo Clinic Laboratories, Mayo Clinic
Classification: Benign. Last evaluated: 2023-07-17. Review status: criteria provided, single submitter. Criteria: ACMG Guidelines, 2015. Collection method: clinical testing. Allele origin: germline. Observed: 76 variant alleles.
Comment: BA1, BS2, BP4

GeneDx
Classification: Benign. Last evaluated: 2019-04-15. Review status: criteria provided, single submitter. Criteria: GeneDx Variant Classification Process June 2021. Collection method: clinical testing. Allele origin: germline. Affected: yes.
Comment: This variant is associated with the following publications: (PMID: 16251207, 10755819, 10412980, 19423537, 20978178, 20981092, 16446975, 31309545, 11973654)

Illumina Laboratory Services, Illumina
Classification: Benign for Autoimmune lymphoproliferative syndrome type 2A. Last evaluated: 2018-03-06. Review status: criteria provided, single submitter. Criteria: ICSL Variant Classification Criteria 13 December 2019. Collection method: clinical testing. Allele origin: germline.
Comment: This variant was observed in the ICSL laboratory as part of a predisposition screen in an ostensibly healthy population. It had not been previously curated by ICSL or reported in the Human Gene Mutation Database (HGMD: prior to June 1st, 2018), and was therefore a candidate for classification through an automated scoring system. Utilizing variant allele frequency, disease prevalence and penetrance estimates, and inheritance mode, an automated score was calculated to assess if this variant is too frequent to cause the disease. Based on the score and internal cut-off values, a variant classified as benign is not then subjected to further curation. The score for this variant resulted in a classification of benign for this disease.

Breakthrough Genomics
Classification: Benign. Review status: criteria provided, single submitter. Criteria: ACMG Guidelines, 2015. Collection method: not provided. Allele origin: germline. Inheritance: Autosomal dominant inheritance. Affected: yes.

GeneReviews
No classification provided. Condition: Autoimmune lymphoproliferative syndrome type 2A. Review status: no classification provided. Collection method: literature only. Allele origin: germline. Not counted in ClinVar's aggregate classification.

Genome Diagnostics Laboratory, University Medical Center Utrecht
Classification: Benign. Review status: no assertion criteria provided. Collection method: clinical testing. Allele origin: germline. Affected: yes. Study: VKGL Data-share Consensus. Not counted in ClinVar's aggregate classification.

Laboratory of Diagnostic Genome Analysis, Leiden University Medical Center (LUMC)
Classification: Likely benign. Review status: no assertion criteria provided. Collection method: clinical testing. Allele origin: germline. Affected: yes. Study: VKGL Data-share Consensus. Not counted in ClinVar's aggregate classification.

Literature cited by the submitters: PubMed 10412980 (cited by Mayo Clinic Laboratories, Mayo Clinic); PubMed 10755819 (cited by Mayo Clinic Laboratories, Mayo Clinic); PubMed 16446975 (cited by Mayo Clinic Laboratories, Mayo Clinic); PubMed 31309545 (cited by Mayo Clinic Laboratories, Mayo Clinic); PubMed 34171534 (cited by Mayo Clinic Laboratories, Mayo Clinic); NCBI Bookshelf NBK1108 (cited by GeneReviews).

NM_032977.4(CASP10):c.1228G>A (p.Val410Ile)

Gene: CASP10 (caspase 10; plus strand). Cytogenetic location: 2q33.1.
Variant type: single nucleotide variant.
Coding change: c.1228G>A on transcript NM_032977.4 (MANE Select); coding-DNA position 1228, G replaced by A.
Protein change: p.Val410Ile; replaces valine 410 with isoleucine.
Molecular consequence: missense variant. On other transcripts: 3 prime UTR variant (1).
Genome position (GRCh38, 1-based): chr2:201,209,375, G>A. VCF-style: chr2-201209375-G-A. GRCh37 (hg19) VCF-style: chr2-202074098-G-A.
Other names: c.1027G>A, p.Val343Ile (NM_001206524.2); c.1099G>A, p.Val367Ile (NM_001206542.2, NM_001230.5); c.1228G>A, p.Val410Ile (NM_032974.5); c.*314G>A (NM_032976.4); short protein forms V410I, V343I, V367I.
Identifiers: ClinVar variation 21727 (VCV000021727.24), dbSNP rs13010627, ClinGen allele CA2053202.